The following is an entry in ClinVar:

NM_005257.6(GATA6):c.277G>C (p.Gly93Arg)

Gene: GATA6 (GATA binding protein 6; plus strand). Cytogenetic location: 18q11.2.
Variant type: single nucleotide variant.
Coding change: c.277G>C on transcript NM_005257.6 (MANE Select); coding-DNA position 277, G replaced by C.
Protein change: p.Gly93Arg; replaces glycine 93 with arginine.
Molecular consequence: missense variant.
Genome position (GRCh38, 1-based): chr18:22,171,421, G>C. VCF-style: chr18-22171421-G-C. GRCh37 (hg19) VCF-style: chr18-19751382-G-C.
Other names: short protein forms G93R.
Identifiers: ClinVar variation 1438934 (VCV001438934.9), dbSNP rs529881815, ClinGen allele CA297147486.

ClinVar aggregate classification (germline): Uncertain significance (1 of 4 stars; one submission).

Conditions:
Atrioventricular septal defect 5 (AVSD5). Identifiers: MedGen C3280939, MONDO:0013769, OMIM 614474.

Allele frequency attached by ClinVar (database versions not stated): gnomAD exomes below 0.00001 and 0.00001; gnomAD 0.00002; TOPMed 0.00002.
gnomAD v4.1: 9 of 1,590,166 alleles (0.00057%); highest among the groups gnomAD compares: African/African-American, 0.0054%; no homozygotes.

Submission:

Labcorp Genetics (formerly Invitae), Labcorp
Classification: Uncertain significance for Atrioventricular septal defect 5. Last evaluated: 2024-05-09. Review status: criteria provided, single submitter. Criteria: Invitae Variant Classification Sherloc (09022015). Collection method: clinical testing. Allele origin: germline.
Comment: This sequence change replaces glycine, which is neutral and non-polar, with arginine, which is basic and polar, at codon 93 of the GATA6 protein (p.Gly93Arg). This variant is present in population databases (no rsID available, gnomAD 0.01%). This variant has not been reported in the literature in individuals affected with GATA6-related conditions. ClinVar contains an entry for this variant (Variation ID: 1438934). An algorithm developed to predict the effect of missense changes on protein structure and function (PolyPhen-2) suggests that this variant is likely to be disruptive. In summary, the available evidence is currently insufficient to determine the role of this variant in disease. Therefore, it has been classified as a Variant of Uncertain Significance.